The following is an entry in ClinVar:

NM_000303.3(PMM2):c.69A>G (p.Lys23=)

Gene: PMM2 (phosphomannomutase 2; plus strand). Cytogenetic location: 16p13.2.
Variant type: single nucleotide variant.
Coding change: c.69A>G on transcript NM_000303.3 (MANE Select); coding-DNA position 69, A replaced by G.
Protein change: p.Lys23=; no amino-acid change (lysine 23 retained).
Molecular consequence: synonymous variant.
Genome position (GRCh38, 1-based): chr16:8,801,801, A>G. VCF-style: chr16-8801801-A-G. GRCh37 (hg19) VCF-style: chr16-8895658-A-G.
Identifiers: ClinVar variation 1429868 (VCV001429868.6), dbSNP rs1189907173, ClinGen allele CA493508794.

ClinVar aggregate classification (germline): Uncertain significance (1 of 4 stars; one submission).

Conditions:
PMM2-congenital disorder of glycosylation. Also called: JAEKEN SYNDROME; CARBOHYDRATE-DEFICIENT GLYCOPROTEIN SYNDROME, TYPE Ia; CDG Ia; Congenital disorder of glycosylation, type Ia; PMM2-CDG; PHOSPHOMANNOMUTASE 2 DEFICIENCY. Identifiers: Orphanet 79318, MedGen C0349653, MONDO:0008907, OMIM 212065.

Allele frequency attached by ClinVar (database versions not stated): gnomAD exomes below 0.00001; TOPMed below 0.00001; gnomAD 0.00002.
gnomAD v4.1: 8 of 1,600,052 alleles (0.0005%); highest among the groups gnomAD compares: Middle Eastern, 0.033%; no homozygotes.

Submission:

Labcorp Genetics (formerly Invitae), Labcorp
Classification: Uncertain significance for PMM2-congenital disorder of glycosylation. Last evaluated: 2023-10-03. Review status: criteria provided, single submitter. Criteria: Invitae Variant Classification Sherloc (09022015). Collection method: clinical testing. Allele origin: germline.
Comment: This sequence change affects codon 23 of the PMM2 mRNA. It is a 'silent' change, meaning that it does not change the encoded amino acid sequence of the PMM2 protein. This variant is present in population databases (no rsID available, gnomAD 0.004%). This variant has not been reported in the literature in individuals affected with PMM2-related conditions. ClinVar contains an entry for this variant (Variation ID: 1429868). Algorithms developed to predict the effect of sequence changes on RNA splicing suggest that this variant may create or strengthen a splice site. In summary, the available evidence is currently insufficient to determine the role of this variant in disease. Therefore, it has been classified as a Variant of Uncertain Significance.